The following is an entry in ClinVar:

NM_198503.5(KCNT2):c.3319C>A (p.Leu1107Met)

Gene: KCNT2 (potassium sodium-activated channel subfamily T member 2; minus strand). Cytogenetic location: 1q31.3.
Variant type: single nucleotide variant.
Coding change: c.3319C>A on transcript NM_198503.5 (MANE Select); coding-DNA position 3319, C replaced by A.
Protein change: p.Leu1107Met; replaces leucine 1107 with methionine.
Molecular consequence: missense variant. On other transcripts: non-coding transcript variant (2).
Genome position (GRCh38, 1-based): chr1:196,228,313, G>T on the plus strand (C>A on the coding strand, the complement: KCNT2 is on the minus strand). VCF-style: chr1-196228313-G-T. GRCh37 (hg19) VCF-style: chr1-196197443-G-T.
Other names: c.3247C>A, p.Leu1083Met (NM_001287819.3); c.3118C>A, p.Leu1040Met (NM_001287820.3); short protein forms L1040M, L1083M, L1107M.
Identifiers: ClinVar variation 5039124 (VCV005039124.1).

ClinVar aggregate classification (germline): Likely benign (1 of 4 stars; one submission).

gnomAD v4.1: 9 of 1,606,026 alleles (0.00056%); highest among the groups gnomAD compares: Admixed American, 0.0067%; no homozygotes.

Submission:

CeGaT Center for Human Genetics Tuebingen
Classification: Likely benign. Last evaluated: 2026-08-01. Review status: criteria provided, single submitter. Criteria: CeGaT Center For Human Genetics Tuebingen Variant Classification Criteria Version 2. Collection method: clinical testing. Allele origin: germline. Affected: yes. Observed: 1 variant allele.
Comment: KCNT2: BP4